The following is an entry in ClinVar:

NM_198578.4(LRRK2):c.1240G>A (p.Val414Ile)

Gene: LRRK2 (leucine rich repeat kinase 2; plus strand). Cytogenetic location: 12q12.
Variant type: single nucleotide variant.
Coding change: c.1240G>A on transcript NM_198578.4 (MANE Select); coding-DNA position 1240, G replaced by A.
Protein change: p.Val414Ile; replaces valine 414 with isoleucine.
Molecular consequence: missense variant.
Genome position (GRCh38, 1-based): chr12:40,252,968, G>A. VCF-style: chr12-40252968-G-A. GRCh37 (hg19) VCF-style: chr12-40646770-G-A.
Other names: short protein forms V414I.
Identifiers: ClinVar variation 579293 (VCV000579293.50), dbSNP rs1565682626, ClinGen allele CA384409436.

ClinVar aggregate classification (germline): Uncertain significance. Review status: criteria provided, multiple submitters, no conflicts (2 of 4 stars). 3 submissions from 3 submitters: Uncertain significance (3). Last evaluated 2022-12-20.

Conditions:
Autosomal dominant Parkinson disease 8. Also called: LRRK2-Related Parkinson Disease; Parkinson disease 8; Parkinson disease 8, susceptibility to. Identifiers: Orphanet 411602, MedGen C1846862, MONDO:0011764, OMIM 607060.

Submissions (3):

Labcorp Genetics (formerly Invitae), Labcorp
Classification: Uncertain significance for Autosomal dominant Parkinson disease 8. Last evaluated: 2022-12-20. Review status: criteria provided, single submitter. Criteria: Invitae Variant Classification Sherloc (09022015). Collection method: clinical testing. Allele origin: germline.
Comment: In summary, the available evidence is currently insufficient to determine the role of this variant in disease. Therefore, it has been classified as a Variant of Uncertain Significance. Advanced modeling of protein sequence and biophysical properties (such as structural, functional, and spatial information, amino acid conservation, physicochemical variation, residue mobility, and thermodynamic stability) has been performed at Invitae for this missense variant, however the output from this modeling did not meet the statistical confidence thresholds required to predict the impact of this variant on LRRK2 protein function. ClinVar contains an entry for this variant (Variation ID: 579293). This missense change has been observed in individual(s) with Parkinson disease (PMID: 30598256). This variant is not present in population databases (gnomAD no frequency). This sequence change replaces valine, which is neutral and non-polar, with isoleucine, which is neutral and non-polar, at codon 414 of the LRRK2 protein (p.Val414Ile).

Fulgent Genetics
Classification: Uncertain significance for Autosomal dominant Parkinson disease 8. Last evaluated: 2021-10-05. Review status: criteria provided, single submitter. Criteria: ACMG Guidelines, 2015. Collection method: clinical testing. Allele origin: unknown.

CeGaT Center for Human Genetics Tuebingen
Classification: Uncertain significance. Last evaluated: 2019-10-01. Review status: criteria provided, single submitter. Criteria: CeGaT Center For Human Genetics Tuebingen Variant Classification Criteria Version 2. Collection method: clinical testing. Allele origin: germline. Affected: yes. Observed: 2 variant alleles.

Literature cited by the submitters: PubMed 30598256 (cited by Labcorp Genetics (formerly Invitae), Labcorp).